The following is an entry in ClinVar:

NM_001064.4(TKT):c.1782A>G (p.Arg594=)

Gene: TKT (transketolase; minus strand). Cytogenetic location: 3p21.1.
Variant type: single nucleotide variant.
Coding change: c.1782A>G on transcript NM_001064.4 (MANE Select); coding-DNA position 1782, A replaced by G.
Protein change: p.Arg594=; no amino-acid change (arginine 594 retained).
Molecular consequence: synonymous variant. On other transcripts: non-coding transcript variant (1).
Genome position (GRCh38, 1-based): chr3:53,225,846, T>C on the plus strand (A>G on the coding strand, the complement: TKT is on the minus strand). VCF-style: chr3-53225846-T-C. GRCh37 (hg19) VCF-style: chr3-53259862-T-C.
Other names: c.1782A>G, p.Arg594= (NM_001135055.3); c.1806A>G, p.Arg602= (NM_001258028.2).
Identifiers: ClinVar variation 720422 (VCV000720422.6), dbSNP rs146102577, ClinGen allele CA2452385.

ClinVar aggregate classification (germline): Benign/Likely benign. Review status: criteria provided, multiple submitters, no conflicts (2 of 4 stars). 3 submissions from 3 submitters: Benign (2); Likely benign (1). Last evaluated 2026-07-01.

Allele frequency attached by ClinVar (database versions not stated): gnomAD exomes 0.00055 and 0.00096; ExAC 0.00081; gnomAD 0.00176 and 0.00191; 1000 Genomes Project 0.00180; ESP Exome Variant Server 0.00192; 1000 Genomes Project 30x 0.00203; TOPMed 0.00215.
gnomAD v4.1: 1,137 of 1,614,038 alleles (0.07%); highest among the groups gnomAD compares: African/African-American, 0.43%; 1 homozygote.

Submissions (3):

CeGaT Center for Human Genetics Tuebingen
Classification: Likely benign. Last evaluated: 2026-07-01. Review status: criteria provided, single submitter. Criteria: CeGaT Center For Human Genetics Tuebingen Variant Classification Criteria Version 2. Collection method: clinical testing. Allele origin: germline. Affected: yes. Observed: 1 variant allele.
Comment: TKT: BP4, BP7

Labcorp Genetics (formerly Invitae), Labcorp
Classification: Benign. Last evaluated: 2019-12-31. Review status: criteria provided, single submitter. Criteria: Invitae Variant Classification Sherloc (09022015). Collection method: clinical testing. Allele origin: germline.

Breakthrough Genomics
Classification: Benign. Review status: criteria provided, single submitter. Criteria: ACMG Guidelines, 2015. Collection method: not provided. Allele origin: germline. Inheritance: Autosomal recessive inheritance. Affected: yes.